The following is an entry in ClinVar:

NM_024422.6(DSC2):c.110_114del (p.Leu37fs)

Gene: DSC2 (desmocollin 2; minus strand). Cytogenetic location: 18q12.1.
Variant type: Deletion.
Coding change: c.110_114del on transcript NM_024422.6 (MANE Select); coding-DNA positions 110 to 114, 5 bases deleted (TACAT; older notation c.110_114delTACAT).
Protein change: p.Leu37fs; shifts the reading frame from leucine 37.
Molecular consequence: frameshift variant.
Genome position (GRCh38, 1-based): chr18:31,093,599-31,093,603, ATGTA deleted on the plus strand (TACAT on the coding strand, the reverse complement: DSC2 is on the minus strand); deleting any 5 consecutive bases within chr18:31,093,599-31,093,607 gives the same sequence; the c. name uses the placement nearest the transcript's 3' end. VCF-style (leftmost placement, unchanged base first): chr18-31093598-CATGTA-C. GRCh37 (hg19) VCF-style: chr18-28673561-CATGTA-C.
Other names: c.110_114del, p.Leu37fs (NM_004949.5); short protein forms L37fs.
Identifiers: ClinVar variation 1074769 (VCV001074769.7), dbSNP rs2144850365, ClinGen allele CA2499225113.

ClinVar aggregate classification (germline): Pathogenic (1 of 4 stars; one submission).

Conditions:
Arrhythmogenic right ventricular dysplasia 11. Also called: Arrhythmogenic Right Ventricular Dysplasia/Cardiomyopathy11; ARRHYTHMOGENIC RIGHT VENTRICULAR DYSPLASIA, FAMILIAL, 11; Arrhythmogenic right ventricular dysplasia 11 with mild palmoplantar keratoderma and woolly hair. Identifiers: MedGen C1864850, MONDO:0012506, OMIM 610476.

Submission:

Labcorp Genetics (formerly Invitae), Labcorp
Classification: Pathogenic for Arrhythmogenic right ventricular dysplasia 11. Last evaluated: 2022-06-25. Review status: criteria provided, single submitter. Criteria: Invitae Variant Classification Sherloc (09022015). Collection method: clinical testing. Allele origin: germline.
Comment: This sequence change creates a premature translational stop signal (p.Leu37Cysfs*13) in the DSC2 gene. It is expected to result in an absent or disrupted protein product. Loss-of-function variants in DSC2 are known to be pathogenic (PMID: 23911551). This variant is not present in population databases (gnomAD no frequency). This variant has not been reported in the literature in individuals affected with DSC2-related conditions. ClinVar contains an entry for this variant (Variation ID: 1074769). For these reasons, this variant has been classified as Pathogenic.

Literature cited by the submitters: PubMed 23911551.